The following is an entry in ClinVar:

NM_000748.3(CHRNB2):c.1338+25G>A

Gene: CHRNB2 (cholinergic receptor nicotinic beta 2 subunit; plus strand). Cytogenetic location: 1q21.3.
Variant type: single nucleotide variant.
Coding change: c.1338+25G>A on transcript NM_000748.3 (MANE Select); 25 bases into the intron after coding-DNA position 1338, G replaced by A.
Molecular consequence: intron variant.
Genome position (GRCh38, 1-based): chr1:154,572,186, G>A. VCF-style: chr1-154572186-G-A. GRCh37 (hg19) VCF-style: chr1-154544662-G-A.
Identifiers: ClinVar variation 670884 (VCV000670884.2), dbSNP rs56146528, ClinGen allele CA1130844.

ClinVar aggregate classification (germline): Likely benign. Review status: criteria provided, multiple submitters, no conflicts (2 of 4 stars). 2 submissions from 2 submitters: Likely benign (2). Last evaluated 2018-06-19.

Allele frequency attached by ClinVar (database versions not stated): ESP Exome Variant Server 0.00102; TOPMed 0.00308; 1000 Genomes Project 0.00459; 1000 Genomes Project 30x 0.00500; ExAC 0.01518.
gnomAD v4.1: 6,502 of 1,535,712 alleles (0.42%); highest among the groups gnomAD compares: South Asian, 2.1%; 58 homozygotes.

Submissions (2):

GeneDx
Classification: Likely benign. Last evaluated: 2018-06-19. Review status: criteria provided, single submitter. Criteria: GeneDx Variant Classification (06012015). Collection method: clinical testing. Allele origin: germline. Affected: yes.
Comment: This variant is considered likely benign or benign based on one or more of the following criteria: it is a conservative change, it occurs at a poorly conserved position in the protein, it is predicted to be benign by multiple in silico algorithms, and/or has population frequency not consistent with disease.

Breakthrough Genomics
Classification: Likely benign. Review status: criteria provided, single submitter. Criteria: ACMG Guidelines, 2015. Collection method: not provided. Allele origin: germline. Inheritance: Unknown mechanism. Affected: yes.